The following is an entry in ClinVar:

ClinVar aggregate classification (germline): Conflicting classifications of pathogenicity. Review status: criteria provided, conflicting classifications (1 of 4 stars). 3 submissions from 3 submitters: Uncertain significance (1); Likely benign (2). Last evaluated 2025-11-22.

Conditions:
Dilated cardiomyopathy 1G (CMD1G). Identifiers: Orphanet 154, MedGen C1858763, MONDO:0011400, OMIM 604145.
Autosomal recessive limb-girdle muscular dystrophy type 2J (LGMDR10). Also called: Limb-girdle muscular dystrophy, type 2J; MUSCULAR DYSTROPHY, LIMB-GIRDLE, AUTOSOMAL RECESSIVE 10. Identifiers: Orphanet 140922, MedGen C1837342, MONDO:0012127, OMIM 608807.

Allele frequency attached by ClinVar (database versions not stated): TOPMed 0.00001; gnomAD 0.00002 and 0.00003.
gnomAD v4.1: 15 of 1,594,436 alleles (0.00094%); highest among the groups gnomAD compares: African/African-American, 0.0054%; 1 homozygote.

Submissions (3):

Labcorp Genetics (formerly Invitae), Labcorp
Classification: Likely benign for Dilated cardiomyopathy 1G; Autosomal recessive limb-girdle muscular dystrophy type 2J. Last evaluated: 2025-11-22. Review status: criteria provided, single submitter. Criteria: Invitae Variant Classification Sherloc (09022015). Collection method: clinical testing. Allele origin: germline.

Women's Health and Genetics/Laboratory Corporation of America, LabCorp
Classification: Likely benign. Last evaluated: 2025-10-15. Review status: criteria provided, single submitter. Criteria: LabCorp Variant Classification Summary - May 2015. Collection method: clinical testing. Allele origin: germline.

Laboratory for Molecular Medicine, Mass General Brigham Personalized Medicine
Classification: Uncertain significance. Last evaluated: 2014-03-19. Review status: criteria provided, single submitter. Criteria: LMM Criteria. Collection method: clinical testing. Allele origin: germline. Observed: 1 variant allele.
Comment: The 91586-6G>T variant in TTN has not been reported in individuals with cardiomy opathy. Data from large population studies is insufficient to assess the frequen cy of this variant. This variant is located in the 3' splice region. Computation al tools do not suggest an impact to splicing. However, this information is not predictive enough to rule out pathogenicity. Additional information is needed to fully assess the clinical significance of this variant.

NM_001267550.2(TTN):c.99290-6G>T

Genes: TTN (titin; minus strand), TTN-AS1 (TTN antisense RNA 1; plus strand). Cytogenetic location: 2q31.2.
Variant type: single nucleotide variant.
Coding change: c.99290-6G>T on transcript NM_001267550.2 (MANE Select); 6 bases into the intron before coding-DNA position 99290, G replaced by T.
Molecular consequence: intron variant.
Genome position (GRCh38, 1-based): chr2:178,537,923, C>A on the plus strand (G>T on the coding strand, the complement: TTN is on the minus strand). VCF-style: chr2-178537923-C-A. GRCh37 (hg19) VCF-style: chr2-179402650-C-A.
Other names: c.72095-6G>T (NM_003319.4); c.72671-6G>T (NM_133437.4); c.72470-6G>T (NM_133432.3); c.91586-6G>T (NM_133378.4); c.94367-6G>T (NM_001256850.1).
Identifiers: ClinVar variation 179609 (VCV000179609.17), dbSNP rs727504987, ClinGen allele CA184776.
Genomic context (GRCh38, chr2:178,537,923, plus strand): 5'-CCCAATTTTGTGGTAACATCCTTCATTTCTTTGCGTATTCCTGGGGCCTCTCCAGCTGAA[C>A]AATATGAAAGATAATATTAAGTGACTGTTAATACTCAATCTGTAATCCTTTGTCCTTGTA-3'